The following is an entry in ClinVar:

ClinVar aggregate classification (germline): Uncertain significance (1 of 4 stars; one submission).

Conditions:
Cowden syndrome 6 (CWS6). Identifiers: Orphanet 201, MedGen C3554519, MONDO:0014048, OMIM 615109.

Submission:

Labcorp Genetics (formerly Invitae), Labcorp
Classification: Uncertain significance for Cowden syndrome 6. Last evaluated: 2017-11-15. Review status: criteria provided, single submitter. Criteria: Invitae Variant Classification Sherloc (09022015). Collection method: clinical testing. Allele origin: germline.
Comment: This variant is not present in population databases (ExAC no frequency). In summary, the available evidence is currently insufficient to determine the role of this variant in disease. Therefore, it has been classified as a Variant of Uncertain Significance. Experimental studies in tissue culture have shown that this missense change does not impact the ability of AKT1 to phosphorylate GSK3beta (PMID: 23884910). This variant has not been reported in the literature in individuals with AKT1-related disease. This sequence change replaces lysine with arginine at codon 182 of the AKT1 protein (p.Lys182Arg). The lysine residue is moderately conserved and there is a small physicochemical difference between lysine and arginine.

Literature cited by the submitters: PubMed 23884910.

NM_001382430.1(AKT1):c.545A>G (p.Lys182Arg)

Gene: AKT1 (AKT serine/threonine kinase 1; minus strand). Cytogenetic location: 14q32.33.
Variant type: single nucleotide variant.
Coding change: c.545A>G on transcript NM_001382430.1 (MANE Select); coding-DNA position 545, A replaced by G.
Protein change: p.Lys182Arg; replaces lysine 182 with arginine.
Molecular consequence: missense variant.
Genome position (GRCh38, 1-based): chr14:104,775,098, T>C on the plus strand (A>G on the coding strand, the complement: AKT1 is on the minus strand). VCF-style: chr14-104775098-T-C. GRCh37 (hg19) VCF-style: chr14-105241435-T-C.
Other names: c.545A>G, p.Lys182Arg (NM_001014431.2, NM_001014432.2, NM_001382431.1 and 3 more transcripts); short protein forms K182R.
Identifiers: ClinVar variation 540889 (VCV000540889.8), dbSNP rs1555383695, ClinGen allele CA391219354.
Genomic context (GRCh38, chr14:104,775,098, plus strand): 5'-ACCCTCATCTCCACCCTGCCCCACCGCCCCGGCCCCACCTTGGCCACGATGACTTCCTTC[T>C]TGAGGATCTTCATGGCGTAGTAGCGGCCTGTGGCCTTCTCCTTCACCAGGATCACCTTGC-3'
Protein context (NP_001369359.1, residues 172-192): TGRYYAMKIL[Lys182Arg]KEVIVAKDEV